The following is an entry in ClinVar:

ClinVar aggregate classification (germline): Pathogenic (1 of 4 stars; one submission).

Conditions:
Niemann-Pick disease, type C1. Also called: NEUROVISCERAL STORAGE DISEASE WITH VERTICAL SUPRANUCLEAR OPHTHALMOPLEGIA; NIEMANN-PICK DISEASE WITH CHOLESTEROL ESTERIFICATION BLOCK; NIEMANN-PICK DISEASE WITHOUT SPHINGOMYELINASE DEFICIENCY; NIEMANN-PICK DISEASE, CHRONIC NEURONOPATHIC FORM; NIEMANN-PICK DISEASE, VARIANT TYPE C1. Identifiers: Orphanet 646, MedGen C3179455, MONDO:0009757, OMIM 257220.

Submission:

Myriad Genetics, Inc.
Classification: Pathogenic for Niemann-Pick disease, type C1. Last evaluated: 2024-07-06. Review status: criteria provided, single submitter. Criteria: Myriad Autosomal Dominant, Autosomal Recessive and X-Linked Classification Criteria (2023). Collection method: clinical testing. Allele origin: unknown.
Comment: NM_000271.4(NPC1):c.2165del1ins6(Q722Rfs*9) is expected to be pathogenic in the context of Niemann-Pick disease type C1. This variant is predicted to lead to an abnormal or absent protein product due to the creation of a premature termination codon in NPC1, a gene where loss-of-function variants are known to be pathogenic. Please note: this variant was assessed in the context of healthy population screening.

NM_000271.5(NPC1):c.2165delinsGGATCG (p.Gln722fs)

Gene: NPC1 (NPC intracellular cholesterol transporter 1; minus strand). Cytogenetic location: 18q11.2.
Variant type: Indel.
Coding change: c.2165delinsGGATCG on transcript NM_000271.5 (MANE Select); coding-DNA position 2165, A replaced by GGATCG.
Protein change: p.Gln722fs; shifts the reading frame from glutamine 722.
Molecular consequence: frameshift variant.
Genome position (GRCh38, 1-based): chr18:23,543,535, T replaced by CGATCC on the plus strand (A replaced by GGATCG on the coding strand, the reverse complement: NPC1 is on the minus strand). VCF-style: chr18-23543535-T-CGATCC. GRCh37 (hg19) VCF-style: chr18-21123499-T-CGATCC.
Other names: short protein forms Q722fs.
Identifiers: ClinVar variation 5013289 (VCV005013289.1).